The following is an entry in ClinVar:

ClinVar aggregate classification (germline): Uncertain significance (1 of 4 stars; one submission).

Conditions:
Foveal hypoplasia - optic nerve decussation defect - anterior segment dysgenesis syndrome. Also called: FOVEAL HYPOPLASIA 2 WITH OR WITHOUT OPTIC NERVE MISROUTING AND/OR ANTERIOR SEGMENT DYSGENESIS; FOVEAL HYPOPLASIA 2 WITH OR WITHOUT MICROPHTHALMIA OR COLOBOMA; Foveal hypoplasia 2; FOVEAL HYPOPLASIA 2 WITH OPTIC NERVE DECUSSATION DEFECTS AND ANTERIOR SEGMENT DYSGENESIS WITHOUT ALBINISM. Identifiers: Orphanet 397618, MedGen C3807873, MONDO:0012216, OMIM 609218.

gnomAD v4.1: 1 of 1,613,162 alleles (0.000062%); highest among the groups gnomAD compares: Non-Finnish European, 0.000085%; no homozygotes.

Submission:

Department of Human Genetics, Hannover Medical School
Classification: Uncertain significance for Foveal hypoplasia - optic nerve decussation defect - anterior segment dysgenesis syndrome. Last evaluated: 2024-10-10. Review status: criteria provided, single submitter. Criteria: ACMG Guidelines, 2015. Collection method: clinical testing. Allele origin: germline. Affected: yes.
Comment: ACMG: PM2_Supporting, PP3

NM_001080442.3(SLC38A8):c.1163-3C>A

Gene: SLC38A8 (solute carrier family 38 member 8; minus strand). Cytogenetic location: 16q23.3.
Variant type: single nucleotide variant.
Coding change: c.1163-3C>A on transcript NM_001080442.3 (MANE Select); 3 bases into the intron before coding-DNA position 1163, C replaced by A.
Molecular consequence: intron variant.
Genome position (GRCh38, 1-based): chr16:84,013,055, G>T on the plus strand (C>A on the coding strand, the complement: SLC38A8 is on the minus strand). VCF-style: chr16-84013055-G-T. GRCh37 (hg19) VCF-style: chr16-84046660-G-T.
Identifiers: ClinVar variation 3362240 (VCV003362240.1).